The following is an entry in ClinVar:

ClinVar aggregate classification (germline): Pathogenic/Likely pathogenic. Review status: criteria provided, multiple submitters, no conflicts (2 of 4 stars). 2 submissions from 2 submitters: Pathogenic (1); Likely pathogenic (1). Last evaluated 2026-02-02.

Conditions:
Hereditary cancer-predisposing syndrome. Also called: Neoplastic Syndromes, Hereditary; Hereditary Cancer Syndrome; Hereditary neoplastic syndrome; Tumor predisposition. Identifiers: Orphanet 140162, MedGen C0027672, MeSH D009386, MONDO:0015356.

Submissions (3):

Ambry Genetics
Classification: Likely pathogenic for Hereditary cancer-predisposing syndrome. Last evaluated: 2026-02-02. Review status: criteria provided, single submitter. Criteria: Ambry Variant Classification Scheme 2023. Collection method: clinical testing. Allele origin: germline.
Comment: The p.Y67D variant (also known as c.199T>G), located in coding exon 2 of the FH gene, results from a T to G substitution at nucleotide position 199. The tyrosine at codon 67 is replaced by aspartic acid, an amino acid with highly dissimilar properties. This variant was reported in individual(s) with features consistent with FH-related tumor predisposition (Chami A et al. Fam Cancer, 2023 Oct;22:481-486). This amino acid position is highly conserved in available vertebrate species. In addition, this alteration is predicted to be deleterious by in silico analysis. Based on the majority of available evidence to date, this variant is likely to be pathogenic.

Labcorp Genetics (formerly Invitae), Labcorp
Classification: Pathogenic. Last evaluated: 2025-09-02. Review status: criteria provided, single submitter. Criteria: Invitae Variant Classification Sherloc (09022015). Collection method: clinical testing. Allele origin: germline.
Comment: This sequence change replaces tyrosine, which is neutral and polar, with aspartic acid, which is acidic and polar, at codon 67 of the FH protein (p.Tyr67Asp). This variant is not present in population databases (gnomAD no frequency). This missense change has been observed in individuals with clinical features of autosomal dominant FH-related conditions (PMID: 37316640; internal data). It has also been observed to segregate with disease in related individuals. ClinVar contains an entry for this variant (Variation ID: 970010). Invitae Evidence Modeling of protein sequence and biophysical properties (such as structural, functional, and spatial information, amino acid conservation, physicochemical variation, residue mobility, and thermodynamic stability) indicates that this missense variant is expected to disrupt FH protein function with a positive predictive value of 95%. For these reasons, this variant has been classified as Pathogenic.

Blake Wilde Laboratory, Roswell Park Comprehensive Cancer Center
No classification provided (evidence only). Condition: Hereditary leiomyomatosis and renal cell cancer. Review status: no classification provided. Collection method: in vitro. Allele origin: not applicable. Functional consequence: decreased enzyme activity. Not counted in ClinVar's aggregate classification.

Literature cited by the submitters: PubMed 37316640 (cited by Ambry Genetics and Labcorp Genetics (formerly Invitae), Labcorp).

NM_000143.4(FH):c.199T>G (p.Tyr67Asp)

Gene: FH (fumarate hydratase; minus strand). Cytogenetic location: 1q43.
Variant type: single nucleotide variant.
Coding change: c.199T>G on transcript NM_000143.4 (MANE Select); coding-DNA position 199, T replaced by G.
Protein change: p.Tyr67Asp; replaces tyrosine 67 with aspartic acid.
Molecular consequence: missense variant.
Genome position (GRCh38, 1-based): chr1:241,517,250, A>C on the plus strand (T>G on the coding strand, the complement: FH is on the minus strand). VCF-style: chr1-241517250-A-C. GRCh37 (hg19) VCF-style: chr1-241680550-A-C.
Other names: short protein forms Y67D.
Identifiers: ClinVar variation 970010 (VCV000970010.13), dbSNP rs1660243497, ClinGen allele CA345441855.
Genomic context (GRCh38, chr1:241,517,250, plus strand): 5'-GTTCTGTCACACCTCCAATCTTAAAGTTCATCGTAGATCTCACGGTCTGGGCGCCATAAT[A>C]CTTATCATTTGGCACCTTTAGTTCACCAAAGGTATCATATTCTATCCGGAAGGAATTTTG-3'
Protein context (NP_000134.2, residues 57-77): FGELKVPNDK[Tyr67Asp]YGAQTVRSTM